The following is an entry in ClinVar:

GRCh38/hg38 22q12.3-13.33(chr22:37061769-50738932)x3

Genes: A4GALT (alpha 1,4-galactosyltransferase (P1PK blood group); minus strand), ACO2 (aconitase 2; plus strand), ACR (acrosin; plus strand), ADM2 (adrenomedullin 2; plus strand), ADSL (adenylosuccinate lyase; plus strand) and 1005 more. Cytogenetic location: 22q12.3-13.33.
Variant type: copy number gain.
Change: copy number 3 (three copies instead of two) of chr22:37,061,769-50,738,932 (13.68 Mb, GRCh38 coordinates, 1-based), cytogenetic band 22q12.3-13.33.
Identifiers: ClinVar variation 57942 (VCV000057942.2).

ClinVar aggregate classification (germline): Pathogenic (1 of 4 stars; one submission).

Submission:

ISCA Site 6
Classification: Pathogenic. Last evaluated: 2011-08-12. Review status: criteria provided, single submitter. Criteria: Kaminsky et al. (Genet Med. 2011). Collection method: clinical testing. Allele origin: unknown. Affected: yes. Observed: 1 variant allele.
Comment: Copy number variation identified through the course of routine clinical cytogenomic testing in postnatal populations. Clinical assertions have been curated as described in Kaminsky et al. 2011.